The following is an entry in ClinVar:

NM_002691.4(POLD1):c.3196C>T (p.His1066Tyr)

Gene: POLD1 (DNA polymerase delta 1, catalytic subunit; plus strand). Cytogenetic location: 19q13.33.
Variant type: single nucleotide variant.
Coding change: c.3196C>T on transcript NM_002691.4 (MANE Select); coding-DNA position 3196, C replaced by T.
Protein change: p.His1066Tyr; replaces histidine 1066 with tyrosine.
Molecular consequence: missense variant. On other transcripts: non-coding transcript variant (1).
Genome position (GRCh38, 1-based): chr19:50,417,247, C>T. VCF-style: chr19-50417247-C-T. GRCh37 (hg19) VCF-style: chr19-50920504-C-T.
Other names: c.3196C>T, p.His1066Tyr (NM_001256849.1); c.3274C>T, p.His1092Tyr (NM_001308632.1); short protein forms H1066Y, H1092Y.
Identifiers: ClinVar variation 936092 (VCV000936092.7), dbSNP rs1308806534, ClinGen allele CA406987500.
Genomic context (GRCh38, chr19:50,417,247, plus strand): 5'-GCCCTGGAGGAGCGCTTCTCGCGCCTCTGGACGCAGTGCCAGCGCTGCCAGGGCAGCCTG[C>T]ACGAGGACGTCATCTGCACCAGGTGTGTGCCATGTCCCGACCCTGGGCTGCCCCGCCCCT-3'
Protein context (NP_002682.2, residues 1056-1076): TQCQRCQGSL[His1066Tyr]EDVICTSRDC

ClinVar aggregate classification (germline): Uncertain significance (1 of 4 stars; one submission).

Conditions:
POLD1-related polyposis and colorectal cancer syndrome (CRCS10). Also called: Colorectal cancer 10; COLORECTAL CANCER, SUSCEPTIBILITY TO, ON CHROMOSOME 19q; Colorectal cancer, susceptibility to, 10. Identifiers: Orphanet 220460, MedGen C2675481, MONDO:0012953, OMIM 612591.

Allele frequency attached by ClinVar (database versions not stated): gnomAD exomes below 0.00001.
gnomAD v4.1: 1 of 1,599,922 alleles (0.000063%); highest among the groups gnomAD compares: Non-Finnish European, 0.000085%; no homozygotes.

Submission:

Labcorp Genetics (formerly Invitae), Labcorp
Classification: Uncertain significance for POLD1-related polyposis and colorectal cancer syndrome. Last evaluated: 2024-11-04. Review status: criteria provided, single submitter. Criteria: Invitae Variant Classification Sherloc (09022015). Collection method: clinical testing. Allele origin: germline.
Comment: This sequence change replaces histidine, which is basic and polar, with tyrosine, which is neutral and polar, at codon 1066 of the POLD1 protein (p.His1066Tyr). This variant is not present in population databases (gnomAD no frequency). This variant has not been reported in the literature in individuals affected with POLD1-related conditions. ClinVar contains an entry for this variant (Variation ID: 936092). Invitae Evidence Modeling of protein sequence and biophysical properties (such as structural, functional, and spatial information, amino acid conservation, physicochemical variation, residue mobility, and thermodynamic stability) indicates that this missense variant is not expected to disrupt POLD1 protein function with a negative predictive value of 80%. Experimental studies have shown that this missense change affects POLD1 function (PMID: 31278166). In summary, the available evidence is currently insufficient to determine the role of this variant in disease. Therefore, it has been classified as a Variant of Uncertain Significance.

Literature cited by the submitters: PubMed 31278166.